The following is an entry in ClinVar:

NM_005263.5(GFI1):c.1184C>T (p.Pro395Leu)

Genes: GFI1 (growth factor independent 1 transcriptional repressor; minus strand), LOC129930930 (ATAC-STARR-seq lymphoblastoid active region 1314; plus strand). Cytogenetic location: 1p22.1.
Variant type: single nucleotide variant.
Coding change: c.1184C>T on transcript NM_005263.5 (MANE Select); coding-DNA position 1184, C replaced by T.
Protein change: p.Pro395Leu; replaces proline 395 with leucine.
Molecular consequence: missense variant.
Genome position (GRCh38, 1-based): chr1:92,476,114, G>A on the plus strand (C>T on the coding strand, the complement: GFI1 is on the minus strand). VCF-style: chr1-92476114-G-A. GRCh37 (hg19) VCF-style: chr1-92941671-G-A.
Other names: c.1184C>T, p.Pro395Leu (NM_001127215.3, NM_001127216.3); short protein forms P395L.
Identifiers: ClinVar variation 5022396 (VCV005022396.1).

ClinVar aggregate classification (germline): Uncertain significance (1 of 4 stars; one submission).

Submission:

Ambry Genetics
Classification: Uncertain significance. Last evaluated: 2026-08-16. Review status: criteria provided, single submitter. Criteria: Ambry Variant Classification Scheme 2023. Collection method: clinical testing. Allele origin: germline.
Comment: The p.P395L variant (also known as c.1184C>T), located in coding exon 6 of the GFI1 gene, results from a C to T substitution at nucleotide position 1184. The proline at codon 395 is replaced by leucine, an amino acid with similar properties. This amino acid position is conserved. In addition, the in silico prediction for this alteration is inconclusive. Based on the available evidence, the clinical significance of this variant remains unclear.